The following is an entry in ClinVar:

ClinVar aggregate classification (germline): Uncertain significance. Review status: criteria provided, multiple submitters, no conflicts (2 of 4 stars). 3 submissions from 3 submitters: Uncertain significance (3). Last evaluated 2024-05-10.

Conditions:
Myoglobinuria, acute recurrent, autosomal recessive. Also called: MYOGLOBINURIA, FAMILIAL PAROXYSMAL PARALYTIC; Myoglobinuria, recurrent, autosomal recessive; RHABDOMYOLYSIS, ACUTE RECURRENT. Identifiers: Orphanet 99845, MedGen C1849386, MONDO:0009992, OMIM 268200.

Allele frequency attached by ClinVar (database versions not stated): gnomAD exomes 0.00003 and 0.00007; ExAC 0.00004; ESP Exome Variant Server 0.00015; gnomAD 0.00017 and 0.00020; TOPMed 0.00030.
gnomAD v4.1: 65 of 1,613,542 alleles (0.004%); highest among the groups gnomAD compares: African/African-American, 0.076%; no homozygotes.

Submissions (3):

Fulgent Genetics
Classification: Uncertain significance for Myoglobinuria, acute recurrent, autosomal recessive. Last evaluated: 2024-05-10. Review status: criteria provided, single submitter. Criteria: ACMG Guidelines, 2015. Collection method: clinical testing. Allele origin: germline.

Labcorp Genetics (formerly Invitae), Labcorp
Classification: Uncertain significance. Last evaluated: 2022-03-16. Review status: criteria provided, single submitter. Criteria: Invitae Variant Classification Sherloc (09022015). Collection method: clinical testing. Allele origin: germline.
Comment: This sequence change replaces proline, which is neutral and non-polar, with alanine, which is neutral and non-polar, at codon 287 of the LPIN1 protein (p.Pro287Ala). This variant is present in population databases (rs150085274, gnomAD 0.07%). This variant has not been reported in the literature in individuals affected with LPIN1-related conditions. Algorithms developed to predict the effect of missense changes on protein structure and function output the following: SIFT: "Tolerated"; PolyPhen-2: "Benign"; Align-GVGD: "Class C0". The alanine amino acid residue is found in multiple mammalian species, which suggests that this missense change does not adversely affect protein function. In summary, the available evidence is currently insufficient to determine the role of this variant in disease. Therefore, it has been classified as a Variant of Uncertain Significance.

Revvity Omics, Revvity
Classification: Uncertain significance for Myoglobinuria, acute recurrent, autosomal recessive. Last evaluated: 2019-08-01. Review status: criteria provided, single submitter. Criteria: ACMG Guidelines, 2015. Collection method: clinical testing. Allele origin: germline.

NM_001349206.2(LPIN1):c.967C>G (p.Pro323Ala)

Gene: LPIN1 (lipin 1; plus strand). Cytogenetic location: 2p25.1.
Variant type: single nucleotide variant.
Coding change: c.967C>G on transcript NM_001349206.2 (MANE Select); coding-DNA position 967, C replaced by G.
Protein change: p.Pro323Ala; replaces proline 323 with alanine.
Molecular consequence: missense variant. On other transcripts: non-coding transcript variant (1).
Genome position (GRCh38, 1-based): chr2:11,782,210, C>G. VCF-style: chr2-11782210-C-G. GRCh37 (hg19) VCF-style: chr2-11922336-C-G.
Other names: c.877C>G, p.Pro293Ala (NM_001261427.3); c.1114C>G, p.Pro372Ala (NM_001261428.3); c.859C>G, p.Pro287Ala (NM_001349199.2, NM_001349200.2, NM_001349201.2 and 1 more transcripts); c.964C>G, p.Pro322Ala (NM_001349202.2, NM_001349203.2); c.967C>G, p.Pro323Ala (NM_001349204.2, NM_001349205.2); c.1057C>G, p.Pro353Ala (NM_001349207.2); c.1006C>G, p.Pro336Ala (NM_001349208.2); short protein forms P322A, P323A, P336A, P293A, P353A, P287A, P372A.
Identifiers: ClinVar variation 1368742 (VCV001368742.6), dbSNP rs150085274, ClinGen allele CA1533572.
Genomic context (GRCh38, chr2:11,782,210, plus strand): 5'-CTTTGTGCTGACCTTGTCTCTCTCTCTGTCCCTCTCTCCTCTTTGCTCTAGTCTTCTTCT[C>G]CACACAAGATGAAAGAGTCCAGCCCATTGAGCAGTAGAAAAATTTGTGATAAAAGTCACT-3'
Protein context (NP_001336135.1, residues 313-333): ELPQAAKSSS[Pro323Ala]HKMKESSPLS